The following is an entry in ClinVar:

NM_001987.5(ETV6):c.352C>T (p.Gln118Ter)

Gene: ETV6 (ETS variant transcription factor 6; plus strand). Cytogenetic location: 12p13.2.
Variant type: single nucleotide variant.
Coding change: c.352C>T on transcript NM_001987.5 (MANE Select); coding-DNA position 352, C replaced by T.
Protein change: p.Gln118Ter; replaces glutamine 118 with a stop codon.
Molecular consequence: nonsense.
Genome position (GRCh38, 1-based): chr12:11,853,450, C>T. VCF-style: chr12-11853450-C-T. GRCh37 (hg19) VCF-style: chr12-12006384-C-T.
Other names: c.349C>T, p.Gln117Ter (NM_001413913.1); c.325C>T, p.Gln109Ter (NM_001413914.1); c.88C>T, p.Gln30Ter (NM_001413915.1); c.352C>T, p.Gln118Ter (NM_001413916.1, NM_001413917.1); short protein forms Q117*, Q118*, Q109*, Q30*.
Identifiers: ClinVar variation 3846537 (VCV003846537.1).

ClinVar aggregate classification (germline): Pathogenic (1 of 4 stars; one submission).

Conditions:
Inborn genetic diseases. Identifiers: MedGen C0950123, MeSH D030342.

Submission:

Ambry Genetics
Classification: Pathogenic for Inborn genetic diseases. Last evaluated: 2025-03-05. Review status: criteria provided, single submitter. Criteria: Ambry Variant Classification Scheme 2023. Collection method: clinical testing. Allele origin: germline.
Comment: The p.Q118* pathogenic mutation (also known as c.352C>T), located in coding exon 4 of the ETV6 gene, results from a C to T substitution at nucleotide position 352. This changes the amino acid from a glutamine to a stop codon within coding exon 4. This variant is considered to be rare based on population cohorts in the Genome Aggregation Database (gnomAD). This alteration is expected to result in loss of function by premature protein truncation or nonsense-mediated mRNA decay. As such, this alteration is interpreted as a disease-causing mutation.